The following is an entry in ClinVar:

ClinVar aggregate classification (germline): Pathogenic (1 of 4 stars; one submission).

Submission:

Quest Diagnostics Nichols Institute San Juan Capistrano
Classification: Pathogenic. Last evaluated: 2022-07-09. Review status: criteria provided, single submitter. Criteria: ACMG/ClinGen CNV Guidelines, 2019. Collection method: clinical testing. Allele origin: unknown.
Comment: The copy number gain of 6p25.3p22.3 is associated with 6p partial trisomy. Phenotypes associated with copy number gains of this region are variable and may include seizures, autism, brain abnormalities, hearing loss, ocular defects including Axenfeld-Rieger syndrome, susceptibility to pulmonary infections, and other clinical issues (Castiglione 2013, Souzeau 2017, Peterman 2020). Thus, based on current medical literature and gene content, the classification of this gain is pathogenic. _x000D__x000D_ References_x000D__x000D_ Castiglione et al., Cytogenet Genome Res. 2013;141(4):243-59. PMID: 23942271_x000D__x000D_ Souzeau et al., Eur J Hum Genet. 2017 Jun;25(7):839-847. PMID: 28513611_x000D__x000D_ Peterman et al., Case Rep Genet. 2020 Aug 31;2020:8857628. PMID: 32934853_x000D__x000D_

GRCh37/hg19 6p25.3-22.3(chr6:156975-15478095)x3

Genes: NQO2 (N-ribosyldihydronicotinamide:quinone dehydrogenase 2; plus strand), RIPK1 (receptor interacting serine/threonine kinase 1; plus strand), RNF182 (ring finger protein 182; plus strand), PHACTR1 (phosphatase and actin regulator 1; plus strand), PPP1R3G (protein phosphatase 1 regulatory subunit 3G; plus strand) and 70 more. Cytogenetic location: 6p25.3-22.3.
Variant type: copy number gain.
Change: copy number 3 (three copies instead of two) of chr6:156,975-15,478,095 (15.32 Mb, GRCh37 coordinates, 1-based), cytogenetic band 6p25.3-22.3.
Identifiers: ClinVar variation 2684439 (VCV002684439.1).